The following is an entry in ClinVar:

ClinVar aggregate classification (germline): Uncertain significance (1 of 4 stars; one submission).

Submission:

Cytogenetics Laboratory, University of Washington
Classification: Uncertain significance. Last evaluated: 2015-01-22. Review status: criteria provided, single submitter. Criteria: UW Cytogenetics and Genomics Laboratory Policy on CNV Interpretation (5/6/2015). Collection method: clinical testing. Allele origin: unknown. Affected: yes. Observed: 1 variant allele.

GRCh37/hg19 Xq11.2(chrX:63131115-63414996)x2

Gene: AMER1 (APC membrane recruitment protein 1; minus strand). Cytogenetic location: Xq11.2.
Variant type: copy number gain.
Change: copy number 2 of chrX:63,131,115-63,414,996 (283.9 kb, GRCh37 coordinates, 1-based), cytogenetic band Xq11.2.
Identifiers: ClinVar variation 202217 (VCV000202217.4).